The following is an entry in ClinVar:

ClinVar aggregate classification (germline): Uncertain significance. Review status: criteria provided, multiple submitters, no conflicts (2 of 4 stars). 2 submissions from 2 submitters: Uncertain significance (2). Last evaluated 2024-08-31.

Conditions:
Hereditary cancer-predisposing syndrome. Also called: Neoplastic Syndromes, Hereditary; Hereditary Cancer Syndrome; Tumor predisposition; Hereditary neoplastic syndrome. Identifiers: Orphanet 140162, MedGen C0027672, MeSH D009386, MONDO:0015356.
Gorlin syndrome. Also called: Nevoid Basal Cell Carcinoma Syndrome; Basal cell nevus syndrome. Identifiers: Orphanet 377, MedGen C0004779, MONDO:0007187.

Submissions (2):

Labcorp Genetics (formerly Invitae), Labcorp
Classification: Uncertain significance for Gorlin syndrome. Last evaluated: 2024-08-31. Review status: criteria provided, single submitter. Criteria: Invitae Variant Classification Sherloc (09022015). Collection method: clinical testing. Allele origin: germline.
Comment: This sequence change replaces threonine, which is neutral and polar, with isoleucine, which is neutral and non-polar, at codon 245 of the PTCH1 protein (p.Thr245Ile). This variant is not present in population databases (gnomAD no frequency). This variant has not been reported in the literature in individuals affected with PTCH1-related conditions. ClinVar contains an entry for this variant (Variation ID: 1692314). Invitae Evidence Modeling of protein sequence and biophysical properties (such as structural, functional, and spatial information, amino acid conservation, physicochemical variation, residue mobility, and thermodynamic stability) indicates that this missense variant is not expected to disrupt PTCH1 protein function with a negative predictive value of 95%. RNA analysis performed to evaluate the impact of this missense change on mRNA splicing indicates it does not significantly alter splicing (internal data). In summary, the available evidence is currently insufficient to determine the role of this variant in disease. Therefore, it has been classified as a Variant of Uncertain Significance.

Sema4
Classification: Uncertain significance for Hereditary cancer-predisposing syndrome. Last evaluated: 2021-09-16. Review status: criteria provided, single submitter. Criteria: Sema4 Curation Guidelines. Collection method: curation. Allele origin: germline.
Comment: The PTCH1 c.734C>T (p.T245I) variant has not been reported in the literature to our knowledge. It was not observed in the large and broad cohorts of the Genome Aggregation Database, and has not been reported in ClinVar. Functional studies have not been performed, and in silico predictions of the variant's effect on protein function are inconclusive. The evidence is insufficient to meet ACMG/AMP criteria for classifying the variant as benign or pathogenic. Thus, the clinical significance of this variant is currently uncertain.

NM_000264.5(PTCH1):c.734C>T (p.Thr245Ile)

Gene: PTCH1 (patched 1; minus strand). Cytogenetic location: 9q22.32.
Variant type: single nucleotide variant.
Coding change: c.734C>T on transcript NM_000264.5 (MANE Select); coding-DNA position 734, C replaced by T.
Protein change: p.Thr245Ile; replaces threonine 245 with isoleucine.
Molecular consequence: missense variant. On other transcripts: non-coding transcript variant (1).
Genome position (GRCh38, 1-based): chr9:95,481,961, G>A on the plus strand (C>T on the coding strand, the complement: PTCH1 is on the minus strand). VCF-style: chr9-95481961-G-A. GRCh37 (hg19) VCF-style: chr9-98244243-G-A.
Other names: c.536C>T, p.Thr179Ile (NM_001083602.3, NM_001354919.2); c.731C>T, p.Thr244Ile (NM_001083603.3); c.281C>T, p.Thr94Ile (NM_001083604.3, NM_001083605.3, NM_001083606.3 and 1 more transcripts); c.734C>T, p.Thr245Ile (NM_001354918.2); short protein forms T179I, T244I, T245I, T94I.
Identifiers: ClinVar variation 1692314 (VCV001692314.3), dbSNP rs1841570436, ClinGen allele CA374114814.